The following is an entry in ClinVar:

NM_000193.4(SHH):c.1249G>A (p.Ala417Thr)

Gene: SHH (sonic hedgehog signaling molecule; minus strand). Cytogenetic location: 7q36.3.
Variant type: single nucleotide variant.
Coding change: c.1249G>A on transcript NM_000193.4 (MANE Select); coding-DNA position 1249, G replaced by A.
Protein change: p.Ala417Thr; replaces alanine 417 with threonine.
Molecular consequence: missense variant. On other transcripts: intron variant (1).
Genome position (GRCh38, 1-based): chr7:155,803,040, C>T on the plus strand (G>A on the coding strand, the complement: SHH is on the minus strand). VCF-style: chr7-155803040-C-T. GRCh37 (hg19) VCF-style: chr7-155595734-C-T.
Other names: c.302-2795G>A (NM_001310462.2); short protein forms A417T.
Identifiers: ClinVar variation 4537973 (VCV004537973.1).

ClinVar aggregate classification (germline): Uncertain significance (1 of 4 stars; one submission).

Submission:

GeneDx
Classification: Uncertain significance. Last evaluated: 2025-06-10. Review status: criteria provided, single submitter. Criteria: GeneDx Variant Classification Process June 2021. Collection method: clinical testing. Allele origin: germline. Affected: yes.
Comment: Not observed at significant frequency in large population cohorts (gnomAD); In silico analysis suggests that this missense variant does not alter protein structure/function; Has not been previously published as pathogenic or benign to our knowledge